The following is an entry in ClinVar:

NM_020778.5(ALPK3):c.4948T>C (p.Ser1650Pro)

Gene: ALPK3 (alpha kinase 3; plus strand). Cytogenetic location: 15q25.3.
Variant type: single nucleotide variant.
Coding change: c.4948T>C on transcript NM_020778.5 (MANE Select); coding-DNA position 4948, T replaced by C.
Protein change: p.Ser1650Pro; replaces serine 1650 with proline.
Molecular consequence: missense variant.
Genome position (GRCh38, 1-based): chr15:84,868,286, T>C. VCF-style: chr15-84868286-T-C. GRCh37 (hg19) VCF-style: chr15-85411517-T-C.
Other names: short protein forms S1650P.
Identifiers: ClinVar variation 1748257 (VCV001748257.7), dbSNP rs537717947, ClinGen allele CA7710122.

ClinVar aggregate classification (germline): Conflicting classifications of pathogenicity. Review status: criteria provided, conflicting classifications (1 of 4 stars). 2 submissions from 2 submitters: Uncertain significance (1); Likely benign (1). Last evaluated 2025-11-24.

Conditions:
Cardiovascular phenotype. Identifiers: MedGen CN230736.

Allele frequency attached by ClinVar (database versions not stated): ExAC 0.00001; gnomAD 0.00001; gnomAD exomes 0.00001; TOPMed 0.00004; 1000 Genomes Project 30x 0.00016; 1000 Genomes Project 0.00020.
gnomAD v4.1: 10 of 1,614,030 alleles (0.00062%); highest among the groups gnomAD compares: African/African-American, 0.013%; no homozygotes.

Submissions (2):

Labcorp Genetics (formerly Invitae), Labcorp
Classification: Uncertain significance. Last evaluated: 2025-11-24. Review status: criteria provided, single submitter. Criteria: Invitae Variant Classification Sherloc (09022015). Collection method: clinical testing. Allele origin: germline.
Comment: This sequence change replaces serine, which is neutral and polar, with proline, which is neutral and non-polar, at codon 1852 of the ALPK3 protein (p.Ser1852Pro). This variant is present in population databases (rs537717947, gnomAD 0.007%). This variant has not been reported in the literature in individuals affected with ALPK3-related conditions. ClinVar contains an entry for this variant (Variation ID: 1748257). Invitae Evidence Modeling of protein sequence and biophysical properties (such as structural, functional, and spatial information, amino acid conservation, physicochemical variation, residue mobility, and thermodynamic stability) indicates that this missense variant is not expected to disrupt ALPK3 protein function with a negative predictive value of 80%. In summary, the available evidence is currently insufficient to determine the role of this variant in disease. Therefore, it has been classified as a Variant of Uncertain Significance.

Ambry Genetics
Classification: Likely benign for Cardiovascular phenotype. Last evaluated: 2021-07-07. Review status: criteria provided, single submitter. Criteria: Ambry Variant Classification Scheme 2023. Collection method: clinical testing. Allele origin: germline.